The following is an entry in ClinVar:

NM_001037333.3(CYFIP2):c.3613G>A (p.Asp1205Asn)

Genes: CYFIP2 (cytoplasmic FMR1 interacting protein 2; plus strand), NIPAL4-DT (NIPAL4 divergent transcript; minus strand). Cytogenetic location: 5q33.3.
Variant type: single nucleotide variant.
Coding change: c.3613G>A on transcript NM_001037333.3 (MANE Select); coding-DNA position 3613, G replaced by A.
Protein change: p.Asp1205Asn; replaces aspartic acid 1205 with asparagine.
Molecular consequence: missense variant.
Genome position (GRCh38, 1-based): chr5:157,392,851, G>A. VCF-style: chr5-157392851-G-A. GRCh37 (hg19) VCF-style: chr5-156819859-G-A.
Other names: c.3535G>A, p.Asp1179Asn (NM_001291721.2); c.3688G>A, p.Asp1230Asn (NM_001291722.2); c.3613G>A, p.Asp1205Asn (NM_014376.4); short protein forms D1179N, D1230N, D1205N.
Identifiers: ClinVar variation 2195538 (VCV002195538.4), dbSNP rs749706783, ClinGen allele CA3534422.

ClinVar aggregate classification (germline): Uncertain significance (1 of 4 stars; one submission).

Allele frequency attached by ClinVar (database versions not stated): TOPMed below 0.00001; ExAC 0.00001.
gnomAD v4.1: 9 of 1,613,714 alleles (0.00056%); highest among the groups gnomAD compares: East Asian, 0.0022%; no homozygotes.

Submission:

Labcorp Genetics (formerly Invitae), Labcorp
Classification: Uncertain significance. Last evaluated: 2025-01-28. Review status: criteria provided, single submitter. Criteria: Invitae Variant Classification Sherloc (09022015). Collection method: clinical testing. Allele origin: germline.
Comment: This sequence change replaces aspartic acid, which is acidic and polar, with asparagine, which is neutral and polar, at codon 1205 of the CYFIP2 protein (p.Asp1205Asn). This variant is present in population databases (rs749706783, gnomAD 0.006%). This variant has not been reported in the literature in individuals affected with CYFIP2-related conditions. ClinVar contains an entry for this variant (Variation ID: 2195538). Experimental studies and prediction algorithms are not available or were not evaluated, and the functional significance of this variant is currently unknown. In summary, the available evidence is currently insufficient to determine the role of this variant in disease. Therefore, it has been classified as a Variant of Uncertain Significance.